The following is an entry in ClinVar:

ClinVar aggregate classification (germline): Pathogenic (1 of 4 stars; one submission).

Conditions:
Rubinstein-Taybi syndrome (RSTS). Identifiers: Orphanet 783, MedGen C0035934, MONDO:0019188.

Submission:

Labcorp Genetics (formerly Invitae), Labcorp
Classification: Pathogenic for Rubinstein-Taybi syndrome. Last evaluated: 2024-10-30. Review status: criteria provided, single submitter. Criteria: Invitae Variant Classification Sherloc (09022015). Collection method: clinical testing. Allele origin: germline.
Comment: This sequence change creates a premature translational stop signal (p.Gly1577Serfs*38) in the CREBBP gene. It is expected to result in an absent or disrupted protein product. Loss-of-function variants in CREBBP are known to be pathogenic (PMID: 17052327, 18792986). This variant is not present in population databases (gnomAD no frequency). This variant has not been reported in the literature in individuals affected with CREBBP-related conditions. Algorithms developed to predict the effect of sequence changes on RNA splicing suggest that this variant may disrupt the consensus splice site. For these reasons, this variant has been classified as Pathogenic.

Literature cited by the submitters: PubMed 17052327; PubMed 18792986.

NC_000016.10:g.3731937_3731941del

Gene: CREBBP (CREB binding lysine acetyltransferase; minus strand). Cytogenetic location: 16p13.3.
Variant type: Deletion.
Genome position: GRCh38 VCF-style: chr16-3731932-ACTGCC-A. GRCh37 (hg19) VCF-style: chr16-3781933-ACTGCC-A.
Identifiers: ClinVar variation 3638193 (VCV003638193.2).
Genomic context (GRCh38, chr16:3,731,932, plus strand): 5'-GCTTTTGTTCTTGTTGGTTTTCTTGTTGTTCTTCTTCTTGGCATTCTTGCTGTCGCCCTG[ACTGCC>A]CTGCAACAACACGCAAGGCTGTGAGACCAGGCAAGTGCCCCTCCACACTTGGCACGGACG-3'